The following is an entry in ClinVar:

NM_001127208.3(TET2):c.3142C>G (p.Leu1048Val)

Genes: TET2 (tet methylcytosine dioxygenase 2; plus strand), TET2-AS1 (TET2 antisense RNA 1; minus strand). Cytogenetic location: 4q24.
Variant type: single nucleotide variant.
Coding change: c.3142C>G on transcript NM_001127208.3 (MANE Select); coding-DNA position 3142, C replaced by G.
Protein change: p.Leu1048Val; replaces leucine 1048 with valine.
Molecular consequence: missense variant.
Genome position (GRCh38, 1-based): chr4:105,237,084, C>G. VCF-style: chr4-105237084-C-G. GRCh37 (hg19) VCF-style: chr4-106158241-C-G.
Other names: c.3142C>G, p.Leu1048Val (NM_017628.4); short protein forms L1048V.
Identifiers: ClinVar variation 2998209 (VCV002998209.4), dbSNP rs1297207329, ClinGen allele CA357801738.

ClinVar aggregate classification (germline): Uncertain significance. Review status: criteria provided, multiple submitters, no conflicts (2 of 4 stars). 2 submissions from 2 submitters: Uncertain significance (2). Last evaluated 2025-03-24.

Allele frequency attached by ClinVar (database versions not stated): TOPMed below 0.00001; gnomAD 0.00001.
gnomAD v4.1: 2 of 1,614,032 alleles (0.00012%); highest among the groups gnomAD compares: Non-Finnish European, 0.00017%; no homozygotes.

Submissions (2):

Ambry Genetics
Classification: Uncertain significance. Last evaluated: 2025-03-24. Review status: criteria provided, single submitter. Criteria: Ambry Variant Classification Scheme 2023. Collection method: clinical testing. Allele origin: germline.
Comment: The p.L1048V variant (also known as c.3142C>G), located in coding exon 1 of the TET2 gene, results from a C to G substitution at nucleotide position 3142. The leucine at codon 1048 is replaced by valine, an amino acid with highly similar properties. This amino acid position is conserved. In addition, this alteration is predicted to be tolerated by in silico analysis. Based on the available evidence, the clinical significance of this variant remains unclear.

Labcorp Genetics (formerly Invitae), Labcorp
Classification: Uncertain significance. Last evaluated: 2023-05-21. Review status: criteria provided, single submitter. Criteria: Invitae Variant Classification Sherloc (09022015). Collection method: clinical testing. Allele origin: germline.
Comment: In summary, the available evidence is currently insufficient to determine the role of this variant in disease. Therefore, it has been classified as a Variant of Uncertain Significance. This variant has not been reported in the literature in individuals affected with TET2-related conditions. An algorithm developed to predict the effect of missense changes on protein structure and function (PolyPhen-2) suggests that this variant is likely to be tolerated. This sequence change replaces leucine, which is neutral and non-polar, with valine, which is neutral and non-polar, at codon 1048 of the TET2 protein (p.Leu1048Val). This variant is not present in population databases (gnomAD no frequency).